The following is an entry in ClinVar:

ClinVar aggregate classification (germline): Likely benign (1 of 4 stars; one submission).

Submission:

CeGaT Center for Human Genetics Tuebingen
Classification: Likely benign. Last evaluated: 2025-08-01. Review status: criteria provided, single submitter. Criteria: CeGaT Center For Human Genetics Tuebingen Variant Classification Criteria Version 2. Collection method: clinical testing. Allele origin: germline. Affected: yes. Observed: 1 variant allele.
Comment: CHD6: PM2:Supporting, BP4, BP7

NM_032221.5(CHD6):c.8112G>A (p.Glu2704=)

Gene: CHD6 (chromodomain helicase DNA binding protein 6; minus strand). Cytogenetic location: 20q12.
Variant type: single nucleotide variant.
Coding change: c.8112G>A on transcript NM_032221.5 (MANE Select); coding-DNA position 8112, G replaced by A.
Protein change: p.Glu2704=; no amino-acid change (glutamic acid 2704 retained).
Molecular consequence: synonymous variant.
Genome position (GRCh38, 1-based): chr20:41,404,629, C>T on the plus strand (G>A on the coding strand, the complement: CHD6 is on the minus strand). VCF-style: chr20-41404629-C-T. GRCh37 (hg19) VCF-style: chr20-40033269-C-T.
Identifiers: ClinVar variation 4085919 (VCV004085919.8).